The following is an entry in ClinVar:

ClinVar aggregate classification (germline): Uncertain significance. Review status: criteria provided, multiple submitters, no conflicts (2 of 4 stars). 2 submissions from 2 submitters: Uncertain significance (2). Last evaluated 2025-04-02.

Submissions (2):

GeneDx
Classification: Uncertain significance. Last evaluated: 2025-04-02. Review status: criteria provided, single submitter. Criteria: GeneDx Variant Classification Process June 2021. Collection method: clinical testing. Allele origin: germline. Affected: yes.
Comment: Not observed at significant frequency in large population cohorts (gnomAD); In silico analysis supports that this missense variant has a deleterious effect on protein structure/function; Has not been previously published as pathogenic or benign to our knowledge

Women's Health and Genetics/Laboratory Corporation of America, LabCorp
Classification: Uncertain significance. Last evaluated: 2024-09-03. Review status: criteria provided, single submitter. Criteria: LabCorp Variant Classification Summary - May 2015. Collection method: clinical testing. Allele origin: germline.
Comment: Variant summary: KMT2C c.9488A>G (p.Asn3163Ser) results in a conservative amino acid change in the encoded protein sequence. Four of five in-silico tools predict a damaging effect of the variant on protein function. The variant was absent in 251362 control chromosomes (gnomAD). The available data on variant occurrences in the general population are insufficient to allow any conclusion about variant significance. To our knowledge, no occurrence of c.9488A>G in individuals affected with Kleefstra Syndrome 2 and no experimental evidence demonstrating its impact on protein function have been reported. No submitters have cited clinical-significance assessments for this variant to ClinVar. Based on the evidence outlined above, the variant was classified as uncertain significance.

NM_170606.3(KMT2C):c.9488A>G (p.Asn3163Ser)

Gene: KMT2C (lysine methyltransferase 2C; minus strand). Cytogenetic location: 7q36.1.
Variant type: single nucleotide variant.
Coding change: c.9488A>G on transcript NM_170606.3 (MANE Select); coding-DNA position 9488, A replaced by G.
Protein change: p.Asn3163Ser; replaces asparagine 3163 with serine.
Molecular consequence: missense variant.
Genome position (GRCh38, 1-based): chr7:152,169,215, T>C on the plus strand (A>G on the coding strand, the complement: KMT2C is on the minus strand). VCF-style: chr7-152169215-T-C. GRCh37 (hg19) VCF-style: chr7-151866300-T-C.
Other names: c.9488A>G (NM_170606.2); short protein forms N3163S.
Identifiers: ClinVar variation 3375132 (VCV003375132.2).